The following is an entry in ClinVar:

ClinVar aggregate classification (germline): Uncertain significance (1 of 4 stars; one submission).

Conditions:
Emery-Dreifuss muscular dystrophy 5, autosomal dominant (EDMD5). Also called: EMERY-DREIFUSS MUSCULAR DYSTROPHY 5. Identifiers: Orphanet 261, MedGen C2751805, MONDO:0013072, OMIM 612999.

Submission:

Labcorp Genetics (formerly Invitae), Labcorp
Classification: Uncertain significance for Emery-Dreifuss muscular dystrophy 5, autosomal dominant. Last evaluated: 2021-10-11. Review status: criteria provided, single submitter. Criteria: Invitae Variant Classification Sherloc (09022015). Collection method: clinical testing. Allele origin: germline.
Comment: This sequence change falls in intron 56 of the SYNE2 gene. It does not directly change the encoded amino acid sequence of the SYNE2 protein. It affects a nucleotide within the consensus splice site of the intron. This variant is not present in population databases (ExAC no frequency). This variant has not been reported in the literature in individuals affected with SYNE2-related conditions. Variants that disrupt the consensus splice site are a relatively common cause of aberrant splicing (PMID: 17576681, 9536098). Algorithms developed to predict the effect of sequence changes on RNA splicing suggest that this variant is not likely to affect RNA splicing. In summary, the available evidence is currently insufficient to determine the role of this variant in disease. Therefore, it has been classified as a Variant of Uncertain Significance.

Literature cited by the submitters: PubMed 17576681; PubMed 9536098.

NM_182914.3(SYNE2):c.11346+4T>A

Gene: SYNE2 (spectrin repeat containing nuclear envelope protein 2; plus strand). Cytogenetic location: 14q23.2.
Variant type: single nucleotide variant.
Coding change: c.11346+4T>A on transcript NM_182914.3 (MANE Select); 4 bases into the intron after coding-DNA position 11346, T replaced by A.
Molecular consequence: intron variant.
Genome position (GRCh38, 1-based): chr14:64,080,642, T>A. VCF-style: chr14-64080642-T-A. GRCh37 (hg19) VCF-style: chr14-64547360-T-A.
Other names: c.11346+4T>A (NM_015180.6).
Identifiers: ClinVar variation 1476651 (VCV001476651.6), dbSNP rs1039538127, ClinGen allele CA2573150013.